The following is an entry in ClinVar:

NM_001009944.3(PKD1):c.3543T>G (p.Tyr1181Ter)

Gene: PKD1 (polycystin 1, transient receptor potential channel interacting; minus strand). Cytogenetic location: 16p13.3.
Variant type: single nucleotide variant.
Coding change: c.3543T>G on transcript NM_001009944.3 (MANE Select); coding-DNA position 3543, T replaced by G.
Protein change: p.Tyr1181Ter; replaces tyrosine 1181 with a stop codon.
Molecular consequence: nonsense.
Genome position (GRCh38, 1-based): chr16:2,111,624, A>C on the plus strand (T>G on the coding strand, the complement: PKD1 is on the minus strand). VCF-style: chr16-2111624-A-C. GRCh37 (hg19) VCF-style: chr16-2161625-A-C.
Other names: p.Tyr1181*; c.3543T>G, p.Tyr1181Ter (NM_000296.4); short protein forms Y1181*.
Identifiers: ClinVar variation 4541998 (VCV004541998.1).

ClinVar aggregate classification (germline): Likely pathogenic (1 of 4 stars; one submission).

Submission:

Mayo Clinic Laboratories, Mayo Clinic
Classification: Likely pathogenic. Last evaluated: 2025-07-21. Review status: criteria provided, single submitter. Criteria: ACMG Guidelines, 2015. Collection method: clinical testing. Allele origin: germline. Observed: 2 variant alleles.
Comment: PM2_supporting, PVS1